The following is an entry in ClinVar:

ClinVar aggregate classification (germline): Uncertain significance (1 of 4 stars; one submission).

Conditions:
Melanoma, cutaneous malignant, susceptibility to, 5. Also called: Cutaneous malignant melanoma 5. Identifiers: Orphanet 618, MedGen C2751295, MONDO:0013133, OMIM 613099.

Submission:

Labcorp Genetics (formerly Invitae), Labcorp
Classification: Uncertain significance for Melanoma, cutaneous malignant, susceptibility to, 5. Last evaluated: 2025-07-31. Review status: criteria provided, single submitter. Criteria: Invitae Variant Classification Sherloc (09022015). Collection method: clinical testing. Allele origin: germline.
Comment: This variant, c.190_191ins30, results in the insertion of 10 amino acid(s) of the MC1R protein (p.Ile63_Ala64ins10), but otherwise preserves the integrity of the reading frame. This variant is not present in population databases (gnomAD no frequency). This variant has not been reported in the literature in individuals affected with MC1R-related conditions. ClinVar contains an entry for this variant (Variation ID: 1398524). Experimental studies and prediction algorithms are not available or were not evaluated, and the functional significance of this variant is currently unknown. In summary, the available evidence is currently insufficient to determine the role of this variant in disease. Therefore, it has been classified as a Variant of Uncertain Significance.

NM_002386.4(MC1R):c.190_191insTGGAGAACGCGCTGGTGGTGGCCACCGTCG (p.Ile63_Ala64insValGluAsnAlaLeuValValAlaThrVal)

Gene: MC1R (melanocortin 1 receptor; plus strand). Cytogenetic location: 16q24.3.
Variant type: Insertion.
Coding change: c.190_191insTGGAGAACGCGCTGGTGGTGGCCACCGTCG on transcript NM_002386.4 (MANE Select); coding-DNA positions 190 to 191, TGGAGAACGCGCTGGTGGTGGCCACCGTCG inserted.
Protein change: p.Ile63_Ala64insValGluAsnAlaLeuValValAlaThrVal.
Molecular consequence: inframe insertion.
Genome position: GRCh38 VCF-style: chr16-89919445-A-ATCGTGGAGAACGCGCTGGTGGTGGCCACCG. GRCh37 (hg19) VCF-style: chr16-89985853-A-ATCGTGGAGAACGCGCTGGTGGTGGCCACCG.
Identifiers: ClinVar variation 1398524 (VCV001398524.6), dbSNP rs2045691984, ClinGen allele CA2242009377.